The following is an entry in ClinVar:

ClinVar aggregate classification (germline): Uncertain significance (1 of 4 stars; one submission).

Submission:

Labcorp Genetics (formerly Invitae), Labcorp
Classification: Uncertain significance. Last evaluated: 2021-02-11. Review status: criteria provided, single submitter. Criteria: Invitae Variant Classification Sherloc (09022015). Collection method: clinical testing. Allele origin: germline.
Comment: In summary, the available evidence is currently insufficient to determine the role of this variant in disease. Therefore, it has been classified as a Variant of Uncertain Significance. Advanced modeling of protein sequence and biophysical properties (such as structural, functional, and spatial information, amino acid conservation, physicochemical variation, residue mobility, and thermodynamic stability) performed at Invitae indicates that this missense variant is not expected to disrupt MTOR protein function. This variant has not been reported in the literature in individuals with MTOR-related conditions. This variant is not present in population databases (ExAC no frequency). This sequence change replaces threonine with isoleucine at codon 1844 of the MTOR protein (p.Thr1844Ile). The threonine residue is moderately conserved and there is a moderate physicochemical difference between threonine and isoleucine.

NM_004958.4(MTOR):c.5531C>T (p.Thr1844Ile)

Gene: MTOR (mechanistic target of rapamycin kinase; minus strand). Cytogenetic location: 1p36.22.
Variant type: single nucleotide variant.
Coding change: c.5531C>T on transcript NM_004958.4 (MANE Select); coding-DNA position 5531, C replaced by T.
Protein change: p.Thr1844Ile; replaces threonine 1844 with isoleucine.
Molecular consequence: missense variant.
Genome position (GRCh38, 1-based): chr1:11,130,611, G>A on the plus strand (C>T on the coding strand, the complement: MTOR is on the minus strand). VCF-style: chr1-11130611-G-A. GRCh37 (hg19) VCF-style: chr1-11190668-G-A.
Other names: c.5531C>T, p.Thr1844Ile (NM_001386500.1); c.4283C>T, p.Thr1428Ile (NM_001386501.1); short protein forms T1428I, T1844I.
Identifiers: ClinVar variation 1508639 (VCV001508639.8), dbSNP rs2100430904, ClinGen allele CA338398358.